The following is an entry in ClinVar:

ClinVar aggregate classification (germline): Pathogenic/Likely pathogenic. Review status: criteria provided, multiple submitters, no conflicts (2 of 4 stars). 2 submissions from 2 submitters: Pathogenic (1); Likely pathogenic (1). Last evaluated 2025-08-13.

Submissions (2):

GeneDx
Classification: Pathogenic. Last evaluated: 2025-08-13. Review status: criteria provided, single submitter. Criteria: GeneDx Variant Classification Process June 2021. Collection method: clinical testing. Allele origin: germline. Affected: yes.
Comment: Canonical splice site variant predicted to result in a null allele in a gene for which loss of function is a known mechanism of disease; Not observed at significant frequency in large population cohorts (gnomAD); Has not been previously published as pathogenic or benign to our knowledge

Clinical Genetics Laboratory, Skane University Hospital Lund
Classification: Likely pathogenic. Last evaluated: 2023-12-15. Review status: criteria provided, single submitter. Criteria: ACMG Guidelines, 2015. Collection method: clinical testing. Allele origin: germline. Affected: yes.

NM_016312.3(WBP11):c.64+1G>A

Gene: WBP11 (WW domain binding protein 11; minus strand). Cytogenetic location: 12p12.3.
Variant type: single nucleotide variant.
Coding change: c.64+1G>A on transcript NM_016312.3 (MANE Select); the canonical splice donor site of the intron after coding-DNA position 64, G replaced by A.
Molecular consequence: splice donor variant.
Genome position (GRCh38, 1-based): chr12:14,801,319, C>T on the plus strand (G>A on the coding strand, the complement: WBP11 is on the minus strand). VCF-style: chr12-14801319-C-T. GRCh37 (hg19) VCF-style: chr12-14954253-C-T.
Identifiers: ClinVar variation 3337741 (VCV003337741.2).
Genomic context (GRCh38, chr12:14,801,319, plus strand): 5'-CCTAATATTTGCAATTTTTAACACTCTCCTACTTCATCATTCCACACTAATGGACACTTA[C>T]GGGCTTGGTCTGTGGGGTTCATAAATTTTCCACTCTTGGTGGATGATGTAGATCTCCGTC-3'